The following is an entry in ClinVar:

Conditions:
Long QT syndrome 5 (LQT5). Identifiers: Orphanet 101016, Orphanet 768, MedGen C1867904, MONDO:0013372, OMIM 613695.

Submission:

Roden Lab, Vanderbilt University Medical Center
No classification provided (evidence only). Condition: Long QT syndrome 5. Review status: no classification provided. Collection method: in vitro. Allele origin: not applicable. Functional consequence: Effect on ion channel function.
ClinVar note: "not provided" was previously submitted as the classification for the variant. However, the classification appeared to be based only on an observation of functional data so it was converted to no classification on 2025-07-30.

NM_000219.6(KCNE1):c.87C>G (p.Gly29=)

Gene: KCNE1 (potassium voltage-gated channel subfamily E regulatory subunit 1; minus strand). Cytogenetic location: 21q22.12.
Variant type: single nucleotide variant.
Coding change: c.87C>G on transcript NM_000219.6 (MANE Select); coding-DNA position 87, C replaced by G.
Protein change: p.Gly29=; no amino-acid change (glycine 29 retained).
Molecular consequence: synonymous variant.
Genome position (GRCh38, 1-based): chr21:34,449,548, G>C on the plus strand (C>G on the coding strand, the complement: KCNE1 is on the minus strand). VCF-style: chr21-34449548-G-C. GRCh37 (hg19) VCF-style: chr21-35821846-G-C.
Other names: c.87C>G, p.Gly29= (NM_001127668.4, NM_001127669.4, NM_001127670.4 and 4 more transcripts).
Identifiers: ClinVar variation 3374011 (VCV003374011.2).